The following is an entry in ClinVar:

NM_001278116.2(L1CAM):c.3118G>A (p.Glu1040Lys)

Gene: L1CAM (L1 cell adhesion molecule; minus strand). Cytogenetic location: Xq28.
Variant type: single nucleotide variant.
Coding change: c.3118G>A on transcript NM_001278116.2 (MANE Select); coding-DNA position 3118, G replaced by A.
Protein change: p.Glu1040Lys; replaces glutamic acid 1040 with lysine.
Molecular consequence: missense variant.
Genome position (GRCh38, 1-based): chrX:153,864,633, C>T on the plus strand (G>A on the coding strand, the complement: L1CAM is on the minus strand). VCF-style: chrX-153864633-C-T. GRCh37 (hg19) VCF-style: chrX-153130088-C-T.
Other names: c.3118G>A, p.Glu1040Lys (NM_000425.5, NM_024003.3); c.3103G>A, p.Glu1035Lys (NM_001143963.2); short protein forms E1035K, E1040K.
Identifiers: ClinVar variation 1303645 (VCV001303645.6), dbSNP rs1557090130, ClinGen allele CA415111864.

ClinVar aggregate classification (germline): Conflicting classifications of pathogenicity. Review status: criteria provided, conflicting classifications (1 of 4 stars). 3 submissions from 3 submitters: Uncertain significance (2); Likely benign (1). Last evaluated 2023-11-22.

Conditions:
Spastic paraplegia. Identifiers: MedGen C0037772, HP:0001258.
MASA syndrome. Also called: CRASH syndrome; SPASTIC PARAPLEGIA 1, X-LINKED; MASA Syndrome (Mental Retardation, Adducted Thumbs, Shuffling Gait, and Aphasia); MASA (Mental Retardation, Adducted Thumbs, Shuffling Gait, Aphasia) Syndrome, Including SPG1 (X-Linked Complicated Hereditary Spastic Paraplegia Type 1); ADDUCTED THUMB WITH MENTAL RETARDATION; CLASPED THUMB AND MENTAL RETARDATION. Identifiers: Orphanet 2466, MedGen C0795953, MONDO:0010559, OMIM 303350.
X-linked complicated corpus callosum dysgenesis. Also called: X-Linked Complicated Corpus Callosum Agenesis. Identifiers: Orphanet 1497, MedGen C1839909, MONDO:0010569, OMIM 304100.
X-linked hydrocephalus syndrome (HYCX). Also called: X-Linked Hydrocephalus with Stenosis of the Aqueduct of Sylvius; AQUEDUCTAL STENOSIS, X-LINKED; X-Linked Hydrocephalus with Stenosis of the Aqueduct of Sylvius (HSAS); HYDROCEPHALUS, CONGENITAL, X-LINKED; X-linked hydrocephalus. Identifiers: Orphanet 2182, MedGen C0265216, MONDO:0010611, OMIM 307000.

Allele frequency attached by ClinVar (database versions not stated): gnomAD 0.00001; gnomAD exomes 0.00001.
gnomAD v4.1: 9 of 1,209,623 alleles (0.00074%); highest among the groups gnomAD compares: Non-Finnish European, 0.001%; no homozygotes.

Submissions (3):

Labcorp Genetics (formerly Invitae), Labcorp
Classification: Likely benign for Spastic paraplegia. Last evaluated: 2023-11-22. Review status: criteria provided, single submitter. Criteria: Invitae Variant Classification Sherloc (09022015). Collection method: clinical testing. Allele origin: germline.

Fulgent Genetics
Classification: Uncertain significance for MASA syndrome; X-linked complicated corpus callosum dysgenesis; X-linked hydrocephalus syndrome. Last evaluated: 2022-04-06. Review status: criteria provided, single submitter. Criteria: ACMG Guidelines, 2015. Collection method: clinical testing. Allele origin: unknown.

GeneDx
Classification: Uncertain significance. Last evaluated: 2020-03-10. Review status: criteria provided, single submitter. Criteria: GeneDx Variant Classification Process June 2021. Collection method: clinical testing. Allele origin: germline. Affected: yes.
Comment: Not observed at a significant frequency in large population cohorts (Lek et al., 2016); In silico analysis supports that this missense variant does not alter protein structure/function; Has not been previously published as pathogenic or benign to our knowledge